The following continues an entry in ClinVar:

NM_000071.3(CBS):c.833T>C (p.Ile278Thr)

Gene: CBS. ClinVar aggregate classification (germline): Pathogenic. Pathogenic (29).

Submissions 15 to 31 of 39:

Institute for Clinical Genetics, University Hospital TU Dresden, University Hospital TU Dresden
Classification: Pathogenic. Last evaluated: 2023-03-03. Review status: criteria provided, single submitter. Criteria: ACMG Guidelines, 2015. Collection method: clinical testing. Allele origin: germline.
Comment: PS4, PP3, PS3, PM3

Clinical Genetics Laboratory, Skane University Hospital Lund
Classification: Pathogenic. Last evaluated: 2023-02-10. Review status: criteria provided, single submitter. Criteria: ACMG Guidelines, 2015. Collection method: clinical testing. Allele origin: germline. Affected: yes.

Centre of Medical Genetics, University Hospital Muenster
Classification: Pathogenic. Last evaluated: 2023-01-11. Review status: criteria provided, single submitter. Criteria: ACMG Guidelines, 2015. Collection method: clinical testing. Allele origin: unknown. Affected: yes. Observed: 1 variant allele, 1 heterozygote.
Comment: ACMG categories: PS3,PM1,PM2,PP3,PP5

3billion
Classification: Pathogenic for Classic homocystinuria. Last evaluated: 2022-09-01. Review status: criteria provided, single submitter. Criteria: ACMG Guidelines, 2015. Collection method: clinical testing. Allele origin: germline. Affected: yes. Observed: 1 heterozygote.
Comment: The variant is observed at an extremely low frequency in the gnomAD v2.1.1 dataset (total allele frequency: 0.083%). Functional studies provide moderate evidence of the variant having a damaging effect on the gene or gene product (PMID: 20506325 , 22069143). In silico tool predictions suggest damaging effect of the variant on gene or gene product (REVEL: 0.74; 3Cnet: 0.94). Same nucleotide change resulting in same amino acid change has been previously reported as pathogenic/likely pathogenic with strong evidence (ClinVar ID: VCV000000120). A different missense change at the same codon (p.Ile278Ser) has been reported to be associated with CBS-related disorder (PMID: 21520339). Therefore, this variant is classified as Pathogenic according to the recommendation of ACMG/AMP guideline.

Genome Diagnostics Laboratory, The Hospital for Sick Children
Classification: Pathogenic for Connective tissue disorder. Last evaluated: 2022-05-17. Review status: criteria provided, single submitter. Criteria: ACMG Guidelines, 2015. Collection method: clinical testing. Allele origin: germline.

GeneDx
Classification: Pathogenic. Last evaluated: 2021-06-17. Review status: criteria provided, single submitter. Criteria: GeneDx Variant Classification Process June 2021. Collection method: clinical testing. Allele origin: germline. Affected: yes.
Comment: Published functional studies demonstrate a damaging effect (Hnizda et al., 2012); In silico analysis supports that this missense variant has a deleterious effect on protein structure/function; This variant is associated with the following publications: (PMID: 20567906, 21917271, 19819175, 20981092, 18805305, 11434706, 8803779, 14722927, 8554066, 9708897, 7635485, 15972722, 15748616, 8755636, 30609409, 7611293, 16479318, 1301198, 23592311, 25087612, 22267502, 22995991, 20506325, 26750749, 12552044, 29326875, 15146473, 17072863, 10364517, 25516723, 28152038, 29044829, 7506602, 7762555, 10328723, 11359213, 20301697, 11748855, 10807759, 10338090, 8940271, 6711564, 30021915, 30487145, 23430030, 25636110, 32820583, 22069143, 31589614, 34426522, 27535533)

Clinical Genetics Laboratory, Region Ostergotland
Classification: Pathogenic for Classic homocystinuria. Last evaluated: 2020-06-25. Review status: criteria provided, single submitter. Criteria: ACMG Guidelines, 2015. Collection method: clinical testing. Allele origin: germline. Affected: no.
Comment: PS4, PM2, PM3, PM5

Heterozygous

Myriad Genetics, Inc.
Classification: Pathogenic for Classic homocystinuria. Last evaluated: 2019-12-20. Review status: criteria provided, single submitter. Criteria: Myriad Women's Health Autosomal Recessive and X-Linked Classification Criteria (2019). Collection method: clinical testing. Allele origin: unknown.
Comment: NM_000071.2(CBS):c.833T>C(I278T) is classified as pathogenic in the context of homocystinuria, CBS-related and is associated with the B6-responsive form of this disease. Sources cited for classification include the following: PMID 11359213, 20506325, 22267502, 22069143, 1301198, 6711564, 10364517 and 8940271. Classification of NM_000071.2(CBS):c.833T>C(I278T) is based on the following criteria: This is a well-established pathogenic variant in the literature that has been observed more frequently in patients with clinical diagnoses than in healthy populations. Please note: this variant was assessed in the context of healthy population screening.

Hadassah Hebrew University Medical Center
Classification: Pathogenic for Homocystinuria. Last evaluated: 2019-06-20. Review status: criteria provided, single submitter. Criteria: ACMG Guidelines, 2015. Collection method: clinical testing. Allele origin: germline. Affected: yes.

Centre for Mendelian Genomics, University Medical Centre Ljubljana
Classification: Pathogenic for Classic homocystinuria. Last evaluated: 2019-05-24. Review status: criteria provided, single submitter. Criteria: ACMG Guidelines, 2015. Collection method: clinical testing. Allele origin: unknown. Affected: yes.
Comment: This variant was classified as: Pathogenic. The following ACMG criteria were applied in classifying this variant: PS1,PS3,PM2,PP3.

Laboratory for Molecular Medicine, Mass General Brigham Personalized Medicine
Classification: Pathogenic for Classic homocystinuria. Last evaluated: 2019-01-24. Review status: criteria provided, single submitter. Criteria: LMM Criteria. Collection method: clinical testing. Allele origin: germline. Inheritance: Autosomal recessive inheritance. Observed: 2 variant alleles.
Comment: The p.Ile278Thr variant in CBS is one of the most commonly observed pathogenic variants in patients with homocystinuria (Moat 2004, Skovby 2010), has been identified in more than 150 patients as both homozygotes and in trans with several additional pathogenic alleles, and segregated multiple affected relatives (Kluijtmans 1999, CBS Mutation Database). It has been reported in ClinVar (Variation ID: 120). This has been identified in 0.14% (22/15362) of European chromosomes by the Genome Aggregation Database (gnomAD; dbSNP rs5742905); however there is a common insertion for which sequencing data mimics this variant, so this frequency may be inaccurate. This variant was also demonstrated to lead to reduced enzymatic activity in vitro and animal studies (Gupta 2013). In summary, this variant meets criteria to be classified as pathogenic for homocystinuria acting in a recessive manner. ACMG/AMP Criteria applied: PM3_VeryStrong; PS3; PP1_Moderate

Fulgent Genetics
Classification: Pathogenic for Classic homocystinuria. Last evaluated: 2018-10-31. Review status: criteria provided, single submitter. Criteria: ACMG Guidelines, 2015. Collection method: clinical testing. Allele origin: unknown.

Women's Health and Genetics/Laboratory Corporation of America, LabCorp
Classification: Pathogenic for Homocystinuria. Last evaluated: 2018-01-22. Review status: criteria provided, single submitter. Criteria: LabCorp Variant Classification Summary - May 2015. Collection method: clinical testing. Allele origin: germline.
Comment: Variant summary: The CBS c.833T>C (p.Ile278Thr) variant involves the alteration of a conserved nucleotide that is located in the Pyridoxal-phosphate dependent enzyme domain (InterPro). 4/4 in silico tools predict a damaging outcome for this variant (SNPsandGO not captured due to low reliability index). This variant was found in 24/30798 control chromosomes at a frequency of 0.0007793, which does not exceed the estimated maximal expected allele frequency of a pathogenic CBS variant (0.0030414). The variant has been found as a compound heterozygous and homozygous allele in numerous CBSD patients. It is a known common pathogenic variant when NOT found in cis with c.844_845ins68. The complex c.[833T>C;844_845ins68] is a common polymorphism found in the general population (Franco 1998, Dutta 2005, Romano 2008). The insertion variant in the complex activates an alternate splicing site, which eliminates not only the inserted intronic sequences but also the c.833T>C mutation associated with this insertion (Tsai 1999). In addition, multiple clinical diagnostic laboratories/reputable databases classified this variant as pathogenic. Taken together, this variant is classified as pathogenic.

Illumina Laboratory Services, Illumina
Classification: Pathogenic for Classic homocystinuria. Last evaluated: 2017-04-27. Review status: criteria provided, single submitter. Criteria: ICSL Variant Classification Criteria 09 May 2019. Collection method: clinical testing. Allele origin: germline.
Comment: The CBS c.833T>C (p.Ile278Thr) variant is the most common variant associated with homocystinuria, overall accounting for 25% of all pathogenic variants, including 29% of the variant alleles in the UK and 18% in the US. In the Netherlands it was shown to account for the majority of pathogenic variants for homocystinuria (Gaustadnes et al. 1999; Kluijtmans et al. 1999; Moat et al. 2004; Skovby et al. 2010). The p.Ile278Thr variant is associated with reduced CBS activity and responsiveness to vitamin B6 (Shih et al. 1995; Gaustadnes et al. 1999; Kluijtmans et al. 1999). Individuals who are homozygous for the p.Ile278Thr variant are generally mildly affected and tend to be diagnosed as adults (Gaustadnes et al. 2000; Skovby et al. 2010). Those who are compound heterozygous for the p.Ile278Thr variant have variable phenotypes, ranging from mild to severe disease (Kraus et al. 1999). The p.Ile278Thr variant is most commonly found in cis with an intronic insertion variant in the CBS gene, c.844ins68, which introduces a novel splice site, causing excision of the p.Ile278Thr variant itself, resulting in a nonpathogenic allele (Tsai et al. 1996). Thus, the frequency of the p.Ile278Thr allele in the general population is likely to be higher than the incidence of homocystinuria would indicate. The variant is reported at a frequency of 0.00353 in the African American population of the Exome Sequencing Project. Based on the collective evidence, the p.Ile278Thr variant is classified as pathogenic for homocystinuria. This variant was observed by ICSL as part of a predisposition screen in an ostensibly healthy population.

Eurofins Ntd Llc (ga)
Classification: Pathogenic. Last evaluated: 2014-11-20. Review status: criteria provided, single submitter. Criteria: EGL Classification Definitions. Collection method: clinical testing. Allele origin: germline. Observed: 15 variant alleles, 14 heterozygotes, 1 homozygote.

OMIM
Classification: Pathogenic for HOMOCYSTINURIA, PYRIDOXINE-RESPONSIVE. Last evaluated: 2010-01-01. Review status: no assertion criteria provided. Collection method: literature only. Allele origin: germline. Not counted in ClinVar's aggregate classification.

OMIM
Classification: Pathogenic for HYPERHOMOCYSTEINEMIA, THROMBOTIC, CBS-RELATED. Last evaluated: 2010-01-01. Review status: no assertion criteria provided. Collection method: literature only. Allele origin: germline. Not counted in ClinVar's aggregate classification.